The following is an entry in ClinVar:

ClinVar aggregate classification (germline): Benign/Likely benign. Review status: criteria provided, multiple submitters, no conflicts (2 of 4 stars). 7 submissions from 7 submitters: Benign (6); Likely benign (1). Last evaluated 2026-02-04.

Conditions:
Autosomal recessive severe congenital neutropenia due to JAGN1 deficiency. Also called: Severe congenital neutropenia 6, autosomal recessive. Identifiers: Orphanet 423384, MedGen C4014954, MONDO:0014456, OMIM 616022.

Allele frequency attached by ClinVar (database versions not stated): gnomAD exomes 0.68287 and 0.69434; 1000 Genomes Project 30x 0.68582; ESP Exome Variant Server 0.68768; 1000 Genomes Project 0.68770; ExAC 0.68846; TOPMed 0.68942; gnomAD 0.69242 and 0.69356.
gnomAD v4.1: 1,115,802 of 1,606,668 alleles (69%); highest among the groups gnomAD compares: East Asian, 72%; 388,427 homozygotes.

Submissions (7):

Labcorp Genetics (formerly Invitae), Labcorp
Classification: Benign for Autosomal recessive severe congenital neutropenia due to JAGN1 deficiency. Last evaluated: 2026-02-04. Review status: criteria provided, single submitter. Criteria: Invitae Variant Classification Sherloc (09022015). Collection method: clinical testing. Allele origin: germline.

Women's Health and Genetics/Laboratory Corporation of America, LabCorp
Classification: Benign. Last evaluated: 2026-01-21. Review status: criteria provided, single submitter. Criteria: LabCorp Variant Classification Summary - May 2015. Collection method: clinical testing. Allele origin: germline.

Blueprint Genetics
Classification: Likely benign. Last evaluated: 2024-11-26. Review status: criteria provided, single submitter. Criteria: ACMG Guidelines, 2015. Collection method: clinical testing. Allele origin: germline.

Mayo Clinic Laboratories, Mayo Clinic
Classification: Benign. Last evaluated: 2022-09-06. Review status: criteria provided, single submitter. Criteria: ACMG Guidelines, 2015. Collection method: clinical testing. Allele origin: germline. Observed: 599 variant alleles.

Genome-Nilou Lab
Classification: Benign for Autosomal recessive severe congenital neutropenia due to JAGN1 deficiency. Last evaluated: 2021-08-19. Review status: criteria provided, single submitter. Criteria: ACMG Guidelines, 2015. Collection method: clinical testing. Allele origin: germline. Affected: no.

GeneDx
Classification: Benign. Last evaluated: 2018-07-25. Review status: criteria provided, single submitter. Criteria: GeneDx Variant Classification Process June 2021. Collection method: clinical testing. Allele origin: germline. Affected: yes.

Breakthrough Genomics
Classification: Benign. Review status: criteria provided, single submitter. Criteria: ACMG Guidelines, 2015. Collection method: not provided. Allele origin: germline. Inheritance: Autosomal recessive inheritance. Affected: yes.

NM_032492.4(JAGN1):c.96T>C (p.Thr32=)

Gene: JAGN1 (jagunal vesicle mediated transporter 1; plus strand). Cytogenetic location: 3p25.3.
Variant type: single nucleotide variant.
Coding change: c.96T>C on transcript NM_032492.4 (MANE Select); coding-DNA position 96, T replaced by C.
Protein change: p.Thr32=; no amino-acid change (threonine 32 retained).
Molecular consequence: synonymous variant. On other transcripts: 5 prime UTR variant (1).
Genome position (GRCh38, 1-based): chr3:9,892,921, T>C. VCF-style: chr3-9892921-T-C. GRCh37 (hg19) VCF-style: chr3-9934605-T-C.
Other names: p.Thr32=; c.-67T>C (NM_001363890.1).
Identifiers: ClinVar variation 1168985 (VCV001168985.17), dbSNP rs279553, ClinGen allele CA2245827.